The following is an entry in ClinVar:

NM_001384743.1(AMZ1):c.1368C>A (p.Ser456Arg)

Gene: AMZ1 (archaelysin family metallopeptidase 1; plus strand). Cytogenetic location: 7p22.3.
Variant type: single nucleotide variant.
Coding change: c.1368C>A on transcript NM_001384743.1 (MANE Select); coding-DNA position 1368, C replaced by A.
Protein change: p.Ser456Arg; replaces serine 456 with arginine.
Molecular consequence: missense variant. On other transcripts: 3 prime UTR variant (1), intron variant (4).
Genome position (GRCh38, 1-based): chr7:2,712,749, C>A. VCF-style: chr7-2712749-C-A. GRCh37 (hg19) VCF-style: chr7-2752383-C-A.
Other names: c.*304C>A (NM_001284355.4); c.1299C>A, p.Ser433Arg (NM_001384739.1); c.1368C>A, p.Ser456Arg (NM_133463.4); c.778+2933C>A (NM_001384742.1, NM_001384741.1); c.948+2933C>A (NM_001321766.2, NM_001384740.1); short protein forms S433R, S456R.
Identifiers: ClinVar variation 2657236 (VCV002657236.24), dbSNP rs148177744, ClinGen allele CA4131210.

ClinVar aggregate classification (germline): Likely benign (1 of 4 stars; one submission).

Allele frequency attached by ClinVar (database versions not stated): 1000 Genomes Project 0.00180; 1000 Genomes Project 30x 0.00203; ExAC 0.00329; gnomAD 0.00366; TOPMed 0.00391; ESP Exome Variant Server 0.00415.
gnomAD v4.1: 9,443 of 1,603,248 alleles (0.59%); highest among the groups gnomAD compares: Non-Finnish European, 0.76%; 35 homozygotes.

Submission:

CeGaT Center for Human Genetics Tuebingen
Classification: Likely benign. Last evaluated: 2022-12-01. Review status: criteria provided, single submitter. Criteria: CeGaT Center For Human Genetics Tuebingen Variant Classification Criteria Version 2. Collection method: clinical testing. Allele origin: germline. Affected: yes. Observed: 1 variant allele.
Comment: AMZ1: BP4, BS2